The following is an entry in ClinVar:

NM_014244.5(ADAMTS2):c.1976_1977delinsAG (p.Cys659Ter)

Gene: ADAMTS2 (ADAM metallopeptidase with thrombospondin type 1 motif 2; minus strand). Cytogenetic location: 5q35.3.
Variant type: Indel.
Coding change: c.1976_1977delinsAG on transcript NM_014244.5 (MANE Select); coding-DNA positions 1976 to 1977, GC replaced by AG.
Protein change: p.Cys659Ter; replaces cysteine 659 with a stop codon.
Molecular consequence: nonsense.
Genome position (GRCh38, 1-based): chr5:179,136,017-179,136,018, GC replaced by CT on the plus strand (GC replaced by AG on the coding strand, the reverse complement: ADAMTS2 is on the minus strand). VCF-style: chr5-179136017-GC-CT. GRCh37 (hg19) VCF-style: chr5-178563018-GC-CT.
Other names: short protein forms C659*.
Identifiers: ClinVar variation 3013980 (VCV003013980.3), dbSNP rs2480190797, ClinGen allele CA2740094203.

ClinVar aggregate classification (germline): Pathogenic (1 of 4 stars; one submission).

Conditions:
Ehlers-Danlos syndrome, dermatosparaxis type. Also called: EDS VIIC; Ehlers-Danlos syndrome, type VII, autosomal recessive; Dermatosparaxis. Identifiers: Orphanet 1901, MedGen C2700425, MONDO:0009161, OMIM 225410.

Submission:

Labcorp Genetics (formerly Invitae), Labcorp
Classification: Pathogenic for Ehlers-Danlos syndrome, dermatosparaxis type. Last evaluated: 2022-11-06. Review status: criteria provided, single submitter. Criteria: Invitae Variant Classification Sherloc (09022015). Collection method: clinical testing. Allele origin: germline.
Comment: For these reasons, this variant has been classified as Pathogenic. This variant has not been reported in the literature in individuals affected with ADAMTS2-related conditions. This variant is present in population databases (no rsID available, gnomAD 0.04%). This sequence change creates a premature translational stop signal (p.Cys659*) in the ADAMTS2 gene. It is expected to result in an absent or disrupted protein product. Loss-of-function variants in ADAMTS2 are known to be pathogenic (PMID: 10417273).

Literature cited by the submitters: PubMed 10417273.